The following is an entry in ClinVar:

NM_000512.5(GALNS):c.1162G>A (p.Asp388Asn)

Gene: GALNS (galactosamine (N-acetyl)-6-sulfatase; minus strand). Cytogenetic location: 16q24.3.
Variant type: single nucleotide variant.
Coding change: c.1162G>A on transcript NM_000512.5 (MANE Select); coding-DNA position 1162, G replaced by A.
Protein change: p.Asp388Asn; replaces aspartic acid 388 with asparagine.
Molecular consequence: missense variant.
Genome position (GRCh38, 1-based): chr16:88,824,847, C>T on the plus strand (G>A on the coding strand, the complement: GALNS is on the minus strand). VCF-style: chr16-88824847-C-T. GRCh37 (hg19) VCF-style: chr16-88891255-C-T.
Other names: c.607G>A, p.Asp203Asn (NM_001323543.2); c.1180G>A, p.Asp394Asn (NM_001323544.2); short protein forms D203N, D388N, D394N.
Identifiers: ClinVar variation 1048234 (VCV001048234.9), dbSNP rs373739301, ClinGen allele CA8234785.

ClinVar aggregate classification (germline): Pathogenic/Likely pathogenic. Review status: criteria provided, multiple submitters, no conflicts (2 of 4 stars). 5 submissions from 5 submitters: Pathogenic (2); Likely pathogenic (3). Last evaluated 2025-08-28.

Conditions:
Mucopolysaccharidosis, MPS-IV-A (MPS4A). Also called: Morquio syndrome A, mild; MPS IVA; MORQUIO SYNDROME A; GALACTOSAMINE-6-SULFATASE DEFICIENCY; GALNS DEFICIENCY; MORQUIO A DISEASE. Identifiers: Orphanet 309297, Orphanet 582, MedGen C0086651, MONDO:0009659, OMIM 253000.

Allele frequency attached by ClinVar (database versions not stated): ExAC 0.00001; gnomAD 0.00001; gnomAD exomes 0.00001.
gnomAD v4.1: 7 of 1,613,156 alleles (0.00043%); highest among the groups gnomAD compares: African/African-American, 0.004%; no homozygotes.

Submissions (5):

First Genomix Gene Laboratory, Genetic Diagnostics Department
Classification: Likely pathogenic for Mucopolysaccharidosis, MPS-IV-A. Last evaluated: 2025-08-28. Review status: criteria provided, single submitter. Criteria: ACMG Guidelines, 2015. Collection method: clinical testing. Allele origin: germline. Inheritance: Autosomal recessive inheritance. Affected: no. Observed: 1 variant allele.

Labcorp Genetics (formerly Invitae), Labcorp
Classification: Pathogenic for Mucopolysaccharidosis, MPS-IV-A. Last evaluated: 2024-03-13. Review status: criteria provided, single submitter. Criteria: Invitae Variant Classification Sherloc (09022015). Collection method: clinical testing. Allele origin: germline.
Comment: This sequence change replaces aspartic acid, which is acidic and polar, with asparagine, which is neutral and polar, at codon 388 of the GALNS protein (p.Asp388Asn). This variant is present in population databases (rs373739301, gnomAD 0.006%). This missense change has been observed in individual(s) with mucopolysaccharidosis type IVA (PMID: 15241807, 34387910, 35212421). ClinVar contains an entry for this variant (Variation ID: 1048234). Algorithms developed to predict the effect of missense changes on protein structure and function output the following: SIFT: "Not Available"; PolyPhen-2: "Benign"; Align-GVGD: "Not Available". The asparagine amino acid residue is found in multiple mammalian species, which suggests that this missense change does not adversely affect protein function. This variant disrupts the p.Asp388 amino acid residue in GALNS. Other variant(s) that disrupt this residue have been determined to be pathogenic (Invitae). This suggests that this residue is clinically significant, and that variants that disrupt this residue are likely to be disease-causing. For these reasons, this variant has been classified as Pathogenic.

Huiwen Zhang's lab, Shanghai Jiao Tong University School of Medicine, Xinhua Hospital
Classification: Likely pathogenic for Mucopolysaccharidosis, MPS-IV-A. Last evaluated: 2022-02-23. Review status: criteria provided, single submitter. Criteria: ACMG Guidelines, 2015. Collection method: clinical testing. Allele origin: germline. Affected: yes.

Laboratory of Diagnosis and Therapy of Lysosomal Disorders, University of Padova
Classification: Likely pathogenic for Mucopolysaccharidosis, MPS-IV-A. Last evaluated: 2021-02-01. Review status: criteria provided, single submitter. Criteria: ACMG Guidelines, 2015. Collection method: curation. Allele origin: germline. Affected: yes.
Comment: The prevalence of the variant in affected individuals is significantly increased compared with the prevalence in controls (PS4_strong); very low frequency in gnomAD v2.1.1 (PM2_moderate); multiple lines of computational evidence suggest no impact on gene or gene product (BP4_supporting)

Juno Genomics, Hangzhou Juno Genomics, Inc
Classification: Pathogenic for Mucopolysaccharidosis, MPS-IV-A. Review status: criteria provided, single submitter. Criteria: ACMG Guidelines, 2015. Collection method: clinical testing. Allele origin: germline.
Comment: Absent from controls (or at extremely low frequency if recessive) in Genome Aggregation Database.;Multiple lines of computational evidence suggest no impact on gene or gene product.;For recessive disorders, detected in trans with a pathogenic variant.;Co-segregation with disease in multiple affected family members.;Patient's phenotype or family history is highly specific for a disease with a single genetic etiology.

Literature cited by the submitters: PubMed 15241807 (cited by Labcorp Genetics (formerly Invitae), Labcorp and Laboratory of Diagnosis and Therapy of Lysosomal Disorders, University of Padova); PubMed 34387910 (cited by 3 submitters); PubMed 35212421 (cited by Labcorp Genetics (formerly Invitae), Labcorp and Huiwen Zhang's lab, Shanghai Jiao Tong University School of Medicine, Xinhua Hospital); PubMed 16287098 (cited by Laboratory of Diagnosis and Therapy of Lysosomal Disorders, University of Padova).